The following is an entry in ClinVar:

ClinVar aggregate classification (germline): Likely pathogenic (1 of 4 stars; one submission).

Conditions:
Developmental and epileptic encephalopathy, 57. Also called: EPILEPTIC ENCEPHALOPATHY, EARLY INFANTILE, 57. Identifiers: MedGen C4540411, MONDO:0033366, OMIM 617771.

Submission:

3billion
Classification: Likely pathogenic for Developmental and epileptic encephalopathy, 57. Last evaluated: 2021-10-02. Review status: criteria provided, single submitter. Criteria: ACMG Guidelines, 2015. Collection method: clinical testing. Allele origin: unknown. Affected: yes. Observed: 1 heterozygote.
Comment: Frameshift: predicted to result in a loss or disruption of normal protein function through nonsense-mediated decay (NMD) or protein truncation. Multiple pathogenic variants are reported downstream of the variant (PVS1_VS). It is not observed in the gnomAD v2.1.1 dataset (PM2). Therefore, this variant is classified as likely pathogenic according to the recommendation of ACMG/AMP guideline.

NM_198503.5(KCNT2):c.2501_2507del (p.Ser834fs)

Gene: KCNT2 (potassium sodium-activated channel subfamily T member 2; minus strand). Cytogenetic location: 1q31.3.
Variant type: Deletion.
Coding change: c.2501_2507del on transcript NM_198503.5 (MANE Select); coding-DNA positions 2501 to 2507, 7 bases deleted (GTATTAT; older notation c.2501_2507delGTATTAT).
Protein change: p.Ser834fs; shifts the reading frame from serine 834.
Molecular consequence: frameshift variant. On other transcripts: non-coding transcript variant (2).
Genome position (GRCh38, 1-based): chr1:196,305,322-196,305,328, ATAATAC deleted on the plus strand (GTATTAT on the coding strand, the reverse complement: KCNT2 is on the minus strand). VCF-style (leftmost placement, unchanged base first): chr1-196305321-GATAATAC-G. GRCh37 (hg19) VCF-style: chr1-196274451-GATAATAC-G.
Other names: c.2429_2435del, p.Ser810fs (NM_001287819.3); c.2279_2285del, p.Ser760fs (NM_001287820.3); short protein forms S760fs, S810fs, S834fs.
Identifiers: ClinVar variation 1320260 (VCV001320260.1), dbSNP rs2147978696, ClinGen allele CA2573051443.